The following is an entry in ClinVar:

NM_000094.4(COL7A1):c.6651+1G>A

Gene: COL7A1 (collagen type VII alpha 1 chain; minus strand). Cytogenetic location: 3p21.31.
Variant type: single nucleotide variant.
Coding change: c.6651+1G>A on transcript NM_000094.4 (MANE Select); the canonical splice donor site of the intron after coding-DNA position 6651, G replaced by A.
Molecular consequence: splice donor variant.
Genome position (GRCh38, 1-based): chr3:48,573,315, C>T on the plus strand (G>A on the coding strand, the complement: COL7A1 is on the minus strand). VCF-style: chr3-48573315-C-T. GRCh37 (hg19) VCF-style: chr3-48610748-C-T.
Identifiers: ClinVar variation 2892112 (VCV002892112.3), dbSNP rs2044062314, ClinGen allele CA352655897.

ClinVar aggregate classification (germline): Pathogenic (1 of 4 stars; one submission).

Submission:

Labcorp Genetics (formerly Invitae), Labcorp
Classification: Pathogenic. Last evaluated: 2023-09-05. Review status: criteria provided, single submitter. Criteria: Invitae Variant Classification Sherloc (09022015). Collection method: clinical testing. Allele origin: germline.
Comment: For these reasons, this variant has been classified as Pathogenic. Algorithms developed to predict the effect of sequence changes on RNA splicing suggest that this variant may disrupt the consensus splice site. Disruption of this splice site has been observed in individual(s) with autosomal recessive epidermolysis bullosa (Invitae). This variant is not present in population databases (gnomAD no frequency). This sequence change affects a donor splice site in intron 83 of the COL7A1 gene. It is expected to disrupt RNA splicing. Variants that disrupt the donor or acceptor splice site typically lead to a loss of protein function (PMID: 16199547), and loss-of-function variants in COL7A1 are known to be pathogenic (PMID: 16971478).

Literature cited by the submitters: PubMed 16199547; PubMed 16971478.